The following is an entry in ClinVar:

ClinVar aggregate classification (germline): Likely benign (1 of 4 stars; one submission).

Conditions:
RASGRP2-related disorder. Also called: RASGRP2-related condition.

gnomAD v4.1: 9 of 1,604,788 alleles (0.00056%); highest among the groups gnomAD compares: Admixed American, 0.0017%; no homozygotes.

Submission:

PreventionGenetics, part of Exact Sciences
Classification: Likely benign for RASGRP2-related condition. Last evaluated: 2026-08-24. Review status: criteria provided, single submitter. Criteria: ACMG Guidelines, 2015. Collection method: clinical testing. Allele origin: germline.
Comment: This variant is classified as likely benign based on ACMG/AMP sequence variant interpretation guidelines (Richards et al. 2015 PMID: 25741868, with internal and published modifications).

NM_001098671.2(RASGRP2):c.1412+10G>A

Gene: RASGRP2 (RAS guanyl releasing protein 2; minus strand). Cytogenetic location: 11q13.1.
Variant type: single nucleotide variant.
Coding change: c.1412+10G>A on transcript NM_001098671.2 (MANE Select); 10 bases into the intron after coding-DNA position 1412, G replaced by A.
Molecular consequence: intron variant.
Genome position (GRCh38, 1-based): chr11:64,735,102, C>T on the plus strand (G>A on the coding strand, the complement: RASGRP2 is on the minus strand). VCF-style: chr11-64735102-C-T. GRCh37 (hg19) VCF-style: chr11-64502574-C-T.
Other names: c.1412+10G>A (NM_153819.2, NM_001440690.1, NM_001440698.1 and 9 more transcripts); c.1409+10G>A (NM_001440702.1, NM_001440701.1, NM_001440700.1); c.1496+10G>A (NM_001440705.1); c.1499+10G>A (NM_001440703.1, NM_001440704.1); c.977+10G>A (NM_001318398.2).
Identifiers: ClinVar variation 4986877 (VCV004986877.1).